The following is an entry in ClinVar:

ClinVar aggregate classification (germline): Uncertain significance (1 of 4 stars; one submission).

Allele frequency attached by ClinVar (database versions not stated): gnomAD exomes below 0.00001; TOPMed below 0.00001; gnomAD 0.00001.
gnomAD v4.1: 2 of 1,614,112 alleles (0.00012%); highest among the groups gnomAD compares: Non-Finnish European, 0.00017%; no homozygotes.

Submission:

Labcorp Genetics (formerly Invitae), Labcorp
Classification: Uncertain significance. Last evaluated: 2023-06-21. Review status: criteria provided, single submitter. Criteria: Invitae Variant Classification Sherloc (09022015). Collection method: clinical testing. Allele origin: germline.
Comment: This sequence change replaces serine, which is neutral and polar, with cysteine, which is neutral and slightly polar, at codon 119 of the TAB2 protein (p.Ser119Cys). This variant is not present in population databases (gnomAD no frequency). This variant has not been reported in the literature in individuals affected with TAB2-related conditions. Advanced modeling of protein sequence and biophysical properties (such as structural, functional, and spatial information, amino acid conservation, physicochemical variation, residue mobility, and thermodynamic stability) performed at Invitae indicates that this missense variant is not expected to disrupt TAB2 protein function. In summary, the available evidence is currently insufficient to determine the role of this variant in disease. Therefore, it has been classified as a Variant of Uncertain Significance.

NM_001292034.3(TAB2):c.355A>T (p.Ser119Cys)

Gene: TAB2 (TGF-beta activated kinase 1 (MAP3K7) binding protein 2; plus strand). Cytogenetic location: 6q25.1.
Variant type: single nucleotide variant.
Coding change: c.355A>T on transcript NM_001292034.3 (MANE Select); coding-DNA position 355, A replaced by T.
Protein change: p.Ser119Cys; replaces serine 119 with cysteine.
Molecular consequence: missense variant.
Genome position (GRCh38, 1-based): chr6:149,378,270, A>T. VCF-style: chr6-149378270-A-T. GRCh37 (hg19) VCF-style: chr6-149699406-A-T.
Other names: c.259A>T, p.Ser87Cys (NM_001292035.3); c.355A>T, p.Ser119Cys (NM_001369506.1, NM_015093.6); short protein forms S119C, S87C.
Identifiers: ClinVar variation 2823906 (VCV002823906.3), dbSNP rs995169701, ClinGen allele CA365993635.
Genomic context (GRCh38, chr6:149,378,270, plus strand): 5'-GGAAGTAGGACTCTAACGCACAGCATTAGTGATGGACAACTTCAAGGTGGCCAGTCCAAT[A>T]GTGAACTATTTCAGCAGGAGCCACAGACAGCACCAGCTCAAGTTCCTCAAGGCTTTAATG-3'
Protein context (NP_001278963.1, residues 109-129): DGQLQGGQSN[Ser119Cys]ELFQQEPQTA